The following is an entry in ClinVar:

NM_001384950.1(NLRC5):c.4920-60G>A

Gene: NLRC5 (NLR family CARD domain containing 5; plus strand). Cytogenetic location: 16q13.
Variant type: single nucleotide variant.
Coding change: c.4920-60G>A on transcript NM_001384950.1 (MANE Select); 60 bases into the intron before coding-DNA position 4920, G replaced by A.
Molecular consequence: intron variant.
Genome position (GRCh38, 1-based): chr16:57,077,659, G>A. VCF-style: chr16-57077659-G-A. GRCh37 (hg19) VCF-style: chr16-57111571-G-A.
Other names: c.4836-60G>A (NM_001384954.1); c.4917-60G>A (NM_001384953.1, NM_001384952.1); c.4830-60G>A (NM_001384957.1); c.4833-60G>A (NM_001384956.1, NM_001384951.1, NM_001384955.1 and 1 more transcripts); c.4743-60G>A (NM_001384959.1); c.4920-60G>A (NM_032206.5); c.4746-60G>A (NM_001384958.1); c.4659-60G>A (NM_001384960.1).
Identifiers: ClinVar variation 103202 (VCV000103202.2), dbSNP rs199476014, ClinGen allele CA230251.

ClinVar aggregate classification (germline): not provided (0 of 4 stars; one submission).

Allele frequency attached by ClinVar (database versions not stated): 1000 Genomes Project 30x 0.00078; 1000 Genomes Project 0.00080; gnomAD 0.00114 and 0.00125; TOPMed 0.00140.
gnomAD v4.1: 348 of 1,482,734 alleles (0.023%); highest among the groups gnomAD compares: African/African-American, 0.41%; 1 homozygote.

Submission:

Human Evolutionary Genetics, Institut Pasteur
No classification provided. Review status: no classification provided. Collection method: not provided. Allele origin: germline.
ClinVar note: Converted during submission from untested to not provided.